The following is an entry in ClinVar:

NM_001323289.2(CDKL5):c.145+6T>G

Gene: CDKL5 (cyclin dependent kinase like 5; plus strand). Cytogenetic location: Xp22.13.
Variant type: single nucleotide variant.
Coding change: c.145+6T>G on transcript NM_001323289.2 (MANE Select); 6 bases into the intron after coding-DNA position 145, T replaced by G.
Molecular consequence: intron variant.
Genome position (GRCh38, 1-based): chrX:18,564,528, T>G. VCF-style: chrX-18564528-T-G. GRCh37 (hg19) VCF-style: chrX-18582648-T-G.
Other names: c.145+6T>G (NM_003159.3, NM_001037343.2).
Identifiers: ClinVar variation 512322 (VCV000512322.15), dbSNP rs753819165, ClinGen allele CA10360210.

ClinVar aggregate classification (germline): Likely benign. Review status: criteria provided, multiple submitters, no conflicts (2 of 4 stars). 4 submissions from 4 submitters: Likely benign (4). Last evaluated 2025-12-22.

Conditions:
Developmental and epileptic encephalopathy, 2 (DEE2). Also called: CDKL5 deficiency disorder; INFANTILE SPASM SYNDROME, X-LINKED 2. Identifiers: Orphanet 1934, Orphanet 3451, Orphanet 505652, MedGen C4750718, MONDO:0010396, OMIM 300672.
Angelman syndrome-like. Identifiers: MedGen CN128785.

Allele frequency attached by ClinVar (database versions not stated): gnomAD 0.00004 and 0.00005; TOPMed 0.00004; gnomAD exomes 0.00031 and 0.00055; ExAC 0.00053.
gnomAD v4.1: 51 of 247,322 alleles (0.021%); highest among the groups gnomAD compares: Middle Eastern, 0.13%; no homozygotes.

Submissions (4):

Labcorp Genetics (formerly Invitae), Labcorp
Classification: Likely benign for Developmental and epileptic encephalopathy, 2; Angelman syndrome-like. Last evaluated: 2025-12-22. Review status: criteria provided, single submitter. Criteria: Invitae Variant Classification Sherloc (09022015). Collection method: clinical testing. Allele origin: germline.

CeGaT Center for Human Genetics Tuebingen
Classification: Likely benign. Last evaluated: 2025-10-01. Review status: criteria provided, single submitter. Criteria: CeGaT Center For Human Genetics Tuebingen Variant Classification Criteria Version 2. Collection method: clinical testing. Allele origin: germline. Affected: yes. Observed: 1 variant allele.
Comment: CDKL5: BP4, BS2

Blueprint Genetics
Classification: Likely benign. Last evaluated: 2023-09-07. Review status: criteria provided, single submitter. Criteria: ACMG Guidelines, 2015. Collection method: clinical testing. Allele origin: germline.

GeneDx
Classification: Likely benign. Last evaluated: 2017-09-28. Review status: criteria provided, single submitter. Criteria: GeneDx Variant Classification (06012015). Collection method: clinical testing. Allele origin: germline. Affected: yes.
Comment: This variant is considered likely benign or benign based on one or more of the following criteria: it is a conservative change, it occurs at a poorly conserved position in the protein, it is predicted to be benign by multiple in silico algorithms, and/or has population frequency not consistent with disease.